The following is an entry in ClinVar:

ClinVar aggregate classification (germline): Uncertain significance. Review status: criteria provided, multiple submitters, no conflicts (2 of 4 stars). 3 submissions from 3 submitters: Uncertain significance (3). Last evaluated 2024-04-03.

Conditions:
Congenital muscular dystrophy due to integrin alpha-7 deficiency. Also called: Congenital muscular dystrophy with integrin alpha-7 deficiency; Muscular dystrophy, congenital, due to ITGA7 deficiency; MYOPATHY, CONGENITAL, DUE TO INTEGRIN ALPHA-7 DEFICIENCY. Identifiers: Orphanet 34520, MedGen C2750786, MONDO:0013177, OMIM 613204.

Allele frequency attached by ClinVar (database versions not stated): ExAC 0.00003; gnomAD 0.00005; TOPMed 0.00005.
gnomAD v4.1: 23 of 1,613,434 alleles (0.0014%); highest among the groups gnomAD compares: East Asian, 0.027%; no homozygotes.

Submissions (3):

Revvity Omics, Revvity
Classification: Uncertain significance for Congenital muscular dystrophy due to integrin alpha-7 deficiency. Last evaluated: 2024-04-03. Review status: criteria provided, single submitter. Criteria: ACMG Guidelines, 2015. Collection method: clinical testing. Allele origin: germline.

Ambry Genetics
Classification: Uncertain significance. Last evaluated: 2023-02-27. Review status: criteria provided, single submitter. Criteria: Ambry Variant Classification Scheme 2023. Collection method: clinical testing. Allele origin: germline.

Labcorp Genetics (formerly Invitae), Labcorp
Classification: Uncertain significance for Congenital muscular dystrophy due to integrin alpha-7 deficiency. Last evaluated: 2022-02-08. Review status: criteria provided, single submitter. Criteria: Invitae Variant Classification Sherloc (09022015). Collection method: clinical testing. Allele origin: germline.
Comment: This sequence change replaces alanine, which is neutral and non-polar, with threonine, which is neutral and polar, at codon 288 of the ITGA7 protein (p.Ala288Thr). This variant is present in population databases (rs771929107, gnomAD 0.03%). This variant has not been reported in the literature in individuals affected with ITGA7-related conditions. Algorithms developed to predict the effect of missense changes on protein structure and function are either unavailable or do not agree on the potential impact of this missense change (SIFT: "Tolerated"; PolyPhen-2: "Probably Damaging"; Align-GVGD: "Class C0"). In summary, the available evidence is currently insufficient to determine the role of this variant in disease. Therefore, it has been classified as a Variant of Uncertain Significance.

NM_002206.3(ITGA7):c.862G>A (p.Ala288Thr)

Gene: ITGA7 (integrin subunit alpha 7; minus strand). Cytogenetic location: 12q13.2.
Variant type: single nucleotide variant.
Coding change: c.862G>A on transcript NM_002206.3 (MANE Select); coding-DNA position 862, G replaced by A.
Protein change: p.Ala288Thr; replaces alanine 288 with threonine.
Molecular consequence: missense variant. On other transcripts: 5 prime UTR variant (1).
Genome position (GRCh38, 1-based): chr12:55,698,846, C>T on the plus strand (G>A on the coding strand, the complement: ITGA7 is on the minus strand). VCF-style: chr12-55698846-C-T. GRCh37 (hg19) VCF-style: chr12-56092630-C-T.
Other names: c.874G>A, p.Ala292Thr (NM_001144996.2, NM_001414029.1, NM_001414030.1); c.583G>A, p.Ala195Thr (NM_001144997.2); c.535G>A, p.Ala179Thr (NM_001367993.1); c.-431G>A (NM_001367994.1); c.862G>A, p.Ala288Thr (NM_001374465.1, NM_001414031.1, NM_001414034.1); c.994G>A, p.Ala332Thr (NM_001410977.1); c.742G>A, p.Ala248Thr (NM_001414032.1); c.679G>A, p.Ala227Thr (NM_001414033.1); and 2 more; short protein forms A195T, A288T, A179T, A175T, A248T, A292T, A332T, A227T.
Identifiers: ClinVar variation 1982852 (VCV001982852.5), dbSNP rs771929107, ClinGen allele CA6616131.